The following is an entry in ClinVar:

ClinVar aggregate classification (germline): Uncertain significance. Review status: criteria provided, multiple submitters, no conflicts (2 of 4 stars). 3 submissions from 3 submitters: Uncertain significance (3). Last evaluated 2025-02-12.

Conditions:
Inborn genetic diseases. Identifiers: MedGen C0950123, MeSH D030342.
Fanconi anemia complementation group P. Also called: SLX4-Related Fanconi Anemia. Identifiers: Orphanet 84, MedGen C3469542, MONDO:0013499, OMIM 613951.
Fanconi anemia (FA). Also called: Fanconi's anemia. Identifiers: Orphanet 84, MedGen C0015625, MeSH D005199, MONDO:0019391.

gnomAD v4.1: 4 of 1,613,428 alleles (0.00025%); highest among the groups gnomAD compares: Admixed American, 0.0017%; no homozygotes.

Submissions (3):

Ambry Genetics
Classification: Uncertain significance for Inborn genetic diseases. Last evaluated: 2025-02-12. Review status: criteria provided, single submitter. Criteria: Ambry Variant Classification Scheme 2023. Collection method: clinical testing. Allele origin: germline.

Labcorp Genetics (formerly Invitae), Labcorp
Classification: Uncertain significance for Fanconi anemia. Last evaluated: 2024-06-03. Review status: criteria provided, single submitter. Criteria: Invitae Variant Classification Sherloc (09022015). Collection method: clinical testing. Allele origin: germline.
Comment: This sequence change replaces glycine, which is neutral and non-polar, with glutamic acid, which is acidic and polar, at codon 1281 of the SLX4 protein (p.Gly1281Glu). This variant is present in population databases (rs766299864, gnomAD 0.003%). This variant has not been reported in the literature in individuals affected with SLX4-related conditions. ClinVar contains an entry for this variant (Variation ID: 827989). An algorithm developed to predict the effect of missense changes on protein structure and function (PolyPhen-2) suggests that this variant¬†is likely to be tolerated. In summary, the available evidence is currently insufficient to determine the role of this variant in disease. Therefore, it has been classified as a Variant of Uncertain Significance.

Center for Genomics, Ann and Robert H. Lurie Children's Hospital of Chicago
Classification: Uncertain significance for Fanconi anemia complementation group P. Last evaluated: 2021-03-30. Review status: criteria provided, single submitter. Criteria: ACMG Guidelines, 2015. Collection method: clinical testing. Allele origin: germline.
Comment: SLX4 NM_032444.3 exon12 p.Gly1281Glu (c.3842G>A): This variant has not been reported in the literature and is present in 0.002% (1/34578) of Latino alleles in the Genome Aggregation Database. Evolutionary conservation and computational predictive tools suggest that this variant may not impact the protein. In summary, data on this variant is insufficient for disease classification. Therefore, the clinical significance of this variant is uncertain.

NM_032444.4(SLX4):c.3842G>A (p.Gly1281Glu)

Gene: SLX4 (SLX4 structure-specific endonuclease subunit; minus strand). Cytogenetic location: 16p13.3.
Variant type: single nucleotide variant.
Coding change: c.3842G>A on transcript NM_032444.4 (MANE Select); coding-DNA position 3842, G replaced by A.
Protein change: p.Gly1281Glu; replaces glycine 1281 with glutamic acid.
Molecular consequence: missense variant.
Genome position (GRCh38, 1-based): chr16:3,589,796, C>T on the plus strand (G>A on the coding strand, the complement: SLX4 is on the minus strand). VCF-style: chr16-3589796-C-T. GRCh37 (hg19) VCF-style: chr16-3639797-C-T.
Other names: c.3842G>A (NM_032444.2); short protein forms G1281E.
Identifiers: ClinVar variation 827989 (VCV000827989.5), dbSNP rs766299864, ClinGen allele CA7865818.